The following is an entry in ClinVar:

ClinVar aggregate classification (germline): Uncertain significance (1 of 4 stars; one submission).

Allele frequency attached by ClinVar (database versions not stated): TOPMed below 0.00001; gnomAD exomes 0.00001.
gnomAD v4.1: 14 of 1,550,376 alleles (0.0009%); highest among the groups gnomAD compares: Non-Finnish European, 0.00017%; no homozygotes.

Submission:

Labcorp Genetics (formerly Invitae), Labcorp
Classification: Uncertain significance. Last evaluated: 2022-02-22. Review status: criteria provided, single submitter. Criteria: Invitae Variant Classification Sherloc (09022015). Collection method: clinical testing. Allele origin: germline.
Comment: In summary, the available evidence is currently insufficient to determine the role of this variant in disease. Therefore, it has been classified as a Variant of Uncertain Significance. Algorithms developed to predict the effect of missense changes on protein structure and function are either unavailable or do not agree on the potential impact of this missense change (SIFT: "Deleterious"; PolyPhen-2: "Benign"; Align-GVGD: "Class C0"). This variant has not been reported in the literature in individuals affected with ZNF469-related conditions. This variant is present in population databases (no rsID available, gnomAD 0.04%). This sequence change replaces serine, which is neutral and polar, with cysteine, which is neutral and slightly polar, at codon 2170 of the ZNF469 protein (p.Ser2170Cys).

NM_001367624.2(ZNF469):c.6593C>G (p.Ser2198Cys)

Gene: ZNF469 (zinc finger protein 469; plus strand). Cytogenetic location: 16q24.2.
Variant type: single nucleotide variant.
Coding change: c.6593C>G on transcript NM_001367624.2 (MANE Select); coding-DNA position 6593, C replaced by G.
Protein change: p.Ser2198Cys; replaces serine 2198 with cysteine.
Molecular consequence: missense variant.
Genome position (GRCh38, 1-based): chr16:88,434,063, C>G. VCF-style: chr16-88434063-C-G. GRCh37 (hg19) VCF-style: chr16-88500471-C-G.
Other names: short protein forms S2198C.
Identifiers: ClinVar variation 2010715 (VCV002010715.4), dbSNP rs1417773276, ClinGen allele CA397106260.